The following is an entry in ClinVar:

NM_001335.4(CTSW):c.29_36del (p.Leu10fs)

Gene: CTSW (cathepsin W; plus strand). Cytogenetic location: 11q13.1.
Variant type: Deletion.
Coding change: c.29_36del on transcript NM_001335.4 (MANE Select); coding-DNA positions 29 to 36, 8 bases deleted (TCCTGGCC; older notation c.29_36delTCCTGGCC).
Protein change: p.Leu10fs; shifts the reading frame from leucine 10.
Molecular consequence: frameshift variant.
Genome position (GRCh38, 1-based): chr11:65,879,883-65,879,890, TCCTGGCC deleted; deleting any 8 consecutive bases within chr11:65,879,880-65,879,890 gives the same sequence; the c. name uses the placement nearest the transcript's 3' end. VCF-style (leftmost placement, unchanged base first): chr11-65879879-TGCCTCCTG-T. GRCh37 (hg19) VCF-style: chr11-65647350-TGCCTCCTG-T.
Other names: short protein forms L10fs.
Identifiers: ClinVar variation 2641975 (VCV002641975.24), dbSNP rs532284219, ClinGen allele CA6110833.

ClinVar aggregate classification (germline): Likely benign (1 of 4 stars; one submission).

Submission:

CeGaT Center for Human Genetics Tuebingen
Classification: Likely benign. Last evaluated: 2022-11-01. Review status: criteria provided, single submitter. Criteria: CeGaT Center For Human Genetics Tuebingen Variant Classification Criteria Version 2. Collection method: clinical testing. Allele origin: germline. Affected: yes. Observed: 1 variant allele.
Comment: CTSW: BS2